The following is an entry in ClinVar:

ClinVar aggregate classification (germline): Uncertain significance (1 of 4 stars; one submission).

Conditions:
Combined oxidative phosphorylation defect type 17. Also called: Combined oxidative phosphorylation deficiency 17. Identifiers: Orphanet 369913, MedGen C3809526, MONDO:0014190, OMIM 615440.

Allele frequency attached by ClinVar (database versions not stated): gnomAD exomes below 0.00001; gnomAD 0.00001.
gnomAD v4.1: 5 of 1,614,018 alleles (0.00031%); highest among the groups gnomAD compares: Admixed American, 0.0033%; no homozygotes.

Submission:

Labcorp Genetics (formerly Invitae), Labcorp
Classification: Uncertain significance for Combined oxidative phosphorylation defect type 17. Last evaluated: 2022-03-18. Review status: criteria provided, single submitter. Criteria: Invitae Variant Classification Sherloc (09022015). Collection method: clinical testing. Allele origin: germline.
Comment: This variant is present in population databases (no rsID available, gnomAD 0.003%). This variant has not been reported in the literature in individuals affected with ELAC2-related conditions. Algorithms developed to predict the effect of missense changes on protein structure and function are either unavailable or do not agree on the potential impact of this missense change (SIFT: "Tolerated"; PolyPhen-2: "Possibly Damaging"; Align-GVGD: "Class C0"). In summary, the available evidence is currently insufficient to determine the role of this variant in disease. Therefore, it has been classified as a Variant of Uncertain Significance. This sequence change replaces arginine, which is basic and polar, with glycine, which is neutral and non-polar, at codon 235 of the ELAC2 protein (p.Arg235Gly).

NM_018127.7(ELAC2):c.703A>G (p.Arg235Gly)

Gene: ELAC2 (elaC ribonuclease Z 2; minus strand). Cytogenetic location: 17p12.
Variant type: single nucleotide variant.
Coding change: c.703A>G on transcript NM_018127.7 (MANE Select); coding-DNA position 703, A replaced by G.
Protein change: p.Arg235Gly; replaces arginine 235 with glycine.
Molecular consequence: missense variant.
Genome position (GRCh38, 1-based): chr17:13,010,648, T>C on the plus strand (A>G on the coding strand, the complement: ELAC2 is on the minus strand). VCF-style: chr17-13010648-T-C. GRCh37 (hg19) VCF-style: chr17-12913965-T-C.
Other names: c.583A>G, p.Arg195Gly (NM_001165962.2); c.703A>G, p.Arg235Gly (NM_173717.2); short protein forms R235G, R195G.
Identifiers: ClinVar variation 1499171 (VCV001499171.8), dbSNP rs1567767157, ClinGen allele CA398216961.
Genomic context (GRCh38, chr17:13,010,648, plus strand): 5'-CAGCCCTCCGGAAAGTCTTCCTTACCTTACAGATGAAAGCTACGACCAGGGAAGAGTCCC[T>C]GACCCCTCTTCTCTGGCTAACACCTGAGGAAAAACACACTTGATTATCACAAGGTAAATG-3'
Protein context (NP_060597.4, residues 225-245): PHGVSQRRGV[Arg235Gly]DSSLVVAFIC